The following is an entry in ClinVar:

NM_000059.4(BRCA2):c.632-1G>A

Gene: BRCA2 (BRCA2 DNA repair associated; plus strand). Cytogenetic location: 13q13.1.
Variant type: single nucleotide variant.
Coding change: c.632-1G>A on transcript NM_000059.4 (MANE Select); the canonical splice acceptor site of the intron before coding-DNA position 632, G replaced by A.
Molecular consequence: splice acceptor variant.
Genome position (GRCh38, 1-based): chr13:32,329,442, G>A. VCF-style: chr13-32329442-G-A. GRCh37 (hg19) VCF-style: chr13-32903579-G-A.
Other names: c.632-1G>A (NM_001406720.1, NM_001406719.1, NM_001406721.1); c.263-1G>A (NM_001406722.1).
Identifiers: ClinVar variation 52060 (VCV000052060.23), dbSNP rs81002820, ClinGen allele CA023882.

ClinVar aggregate classification (germline): Pathogenic. Review status: reviewed by expert panel (3 of 4 stars). 7 submissions from 7 submitters: Pathogenic (1). 6 of the submissions do not count toward it. Last evaluated 2019-06-18.

Conditions:
Hereditary breast ovarian cancer syndrome. Also called: Hereditary breast and ovarian cancer syndrome; Hereditary breast and ovarian cancer; Hereditary breast and ovarian cancer syndrome (HBOC); Breast and ovarian cancer; Hereditary breast and/or ovarian cancer syndrome; BRCA1- and BRCA2-Associated Hereditary Breast and Ovarian Cancer. Identifiers: Orphanet 145, MedGen C0677776, MeSH D061325, MONDO:0003582. Disease mechanism: loss of function.
Hereditary cancer-predisposing syndrome. Also called: Neoplastic Syndromes, Hereditary; Tumor predisposition; Hereditary neoplastic syndrome; Hereditary Cancer Syndrome. Identifiers: Orphanet 140162, MedGen C0027672, MeSH D009386, MONDO:0015356.
Breast-ovarian cancer, familial, susceptibility to, 2 (BROVCA2). Also called: BRCA2 Hereditary Breast and Ovarian Cancer. Identifiers: Orphanet 145, MedGen C2675520, MONDO:0012933, OMIM 612555. Disease mechanism: loss of function.

Submissions (7):

Evidence-based Network for the Interpretation of Germline Mutant Alleles (ENIGMA)
Classification: Pathogenic for Breast-ovarian cancer, familial, susceptibility to, 2. Last evaluated: 2019-06-18. Review status: reviewed by expert panel. Criteria: ENIGMA BRCA1/2 Classification Criteria (2017-06-29). Collection method: curation. Allele origin: germline.
Comment: IARC class based on posterior probability from multifactorial likelihood analysis, thresholds for class as per Plon et al. 2008 (PMID: 18951446). Class 5 based on posterior probability = 0.999853

Quest Diagnostics Nichols Institute San Juan Capistrano
Classification: Pathogenic. Last evaluated: 2025-02-04. Review status: criteria provided, single submitter. Criteria: Quest Diagnostics criteria. Collection method: clinical testing. Allele origin: unknown. Not counted in ClinVar's aggregate classification.
Comment: The BRCA2 c.632-1G>A variant disrupts a canonical splice-acceptor site and interferes with normal BRCA2 mRNA splicing. Assessment of experimental evidence regarding the effect of this variant on RNA splicing is inconclusive (PMID: 16211554 (2005)). In the published literature, this variant has been reported in individuals with breast and/or ovarian cancer (PMID: 16211554 (2005)), prostate cancer (PMID: 20736950 (2010)), and in hereditary breast and ovarian cancer families (PMID: 19329713 (2009), 29446198 (2018), 29371908 (2018)). This variant has been identified together in cis with another pathogenic BRCA2 variant suggesting a founder haplotype (PMID: 34490083 (2021), 34456966 (2021), 33726785 (2021)). This variant was reported as pathogenic in a multifactorial likelihood study (PMID: 31131967 (2019)). This variant has not been reported in large, multi-ethnic general populations (Genome Aggregation Database). Based on the available information, this variant is classified as pathogenic.

Labcorp Genetics (formerly Invitae), Labcorp
Classification: Pathogenic for Hereditary breast ovarian cancer syndrome. Last evaluated: 2022-10-28. Review status: criteria provided, single submitter. Criteria: Invitae Variant Classification Sherloc (09022015). Collection method: clinical testing. Allele origin: germline. Not counted in ClinVar's aggregate classification.
Comment: Disruption of this splice site has been observed in individual(s) with breast, ovarian or prostate cancer (PMID: 20736950, 29371908, 29446198). This variant is also known as c.860-1G>A. ClinVar contains an entry for this variant (Variation ID: 52060). Based on a multifactorial likelihood algorithm using genetic, in silico, and/or statistical data, this variant has been determined to have a high probability of being pathogenic (PMID: 31131967). Studies have shown that disruption of this splice site results in skipping of exon 8 and introduces a premature termination codon (PMID: 18819001). The resulting mRNA is expected to undergo nonsense-mediated decay. For these reasons, this variant has been classified as Pathogenic. This variant is not present in population databases (gnomAD no frequency). This sequence change affects an acceptor splice site in intron 7 of the BRCA2 gene. RNA analysis indicates that disruption of this splice site induces altered splicing and may result in an absent or disrupted protein product.

Ambry Genetics
Classification: Likely pathogenic for Hereditary cancer-predisposing syndrome. Last evaluated: 2019-06-03. Review status: criteria provided, single submitter. Criteria: Ambry Variant Classification Scheme 2023. Collection method: clinical testing. Allele origin: germline. Not counted in ClinVar's aggregate classification.
Comment: The c.632-1G>A intronic variant results from a G to A substitution one nucleotide upstream from coding exon 7 of the BRCA2 gene. This alteration has been reported in several BRCA1/2 positive cohorts (Al-Mulla F et al. J. Clin. Pathol., 2009 Apr;62:350-6; Edwards SM et al. Br. J. Cancer, 2010 Sep;103:918-24; Rebbeck TR et al. Hum. Mutat., 2018 05;39:593-620). This alteration is also reported as c.860-1G>A in the literature. Alterations that disrupt the canonical splice site are expected to cause aberrant splicing, resulting in an abnormal protein or a transcript that is subject to nonsense-mediated mRNA decay. As such, this alteration is classified as likely pathogenic.

Consortium of Investigators of Modifiers of BRCA1/2 (CIMBA), c/o University of Cambridge
Classification: Pathogenic for Breast-ovarian cancer, familial, susceptibility to, 2. Last evaluated: 2015-10-02. Review status: criteria provided, single submitter. Criteria: CIMBA Mutation Classification guidelines May 2016. Collection method: clinical testing. Allele origin: germline. Not counted in ClinVar's aggregate classification.

Biomedical Genomics and Oncogenetics Laboratory, Institut Pasteur de Tunis, University Tunis El Manar
Classification: Pathogenic for Breast-ovarian cancer, familial, susceptibility to, 2. Review status: criteria provided, single submitter. Criteria: ACMG Guidelines, 2015. Collection method: clinical testing. Allele origin: germline. Affected: yes. Observed: 6 variant alleles. Not counted in ClinVar's aggregate classification.

Department of Pathology and Laboratory Medicine, Sinai Health System
Classification: Pathogenic. Review status: no assertion criteria provided. Collection method: clinical testing. Allele origin: unknown. Affected: yes. Study: The Canadian Open Genetics Repository (COGR). Not counted in ClinVar's aggregate classification.
Comment: The BRCA2 c.632-1G>A variant was identified in 7 of 74942 proband chromosomes (frequency: 0.000093) from Japanese, Caucasian, Asian and U.K. individuals or families with familial breast cancer or prostate cancer and was not identified in 22482 control chromosomes from healthy individuals (Tesoriero 2005, Rebbeck 2018, Momozawa 2018). The variant was also identified in dbSNP (ID: rs81002820) as "With Likely pathogenic, Pathogenic allele ", ClinVar (classified as pathogenic by the University of Cambridge and Mount Sinai Hospital (Toronto), and LOVD 3.0 (classified as pathogenic by 4 submitters). The variant was not identified in UMD-LSDB. The variant was not identified in the following control databases: the Exome Aggregation Consortium (August 8th 2016), or the Genome Aggregation Database (Feb 27, 2017). In a study of 720 familial breast cancer families, this variant was identified in 3 families (Tesoriero 2005). In this paper this variant was predicted to result in the deletion of exon 8 by disrupting the intron 7 acceptor site. RT-PCR of BRCA2, c.632-1G>A RNA was undertaken and the entire RT-PCR reaction was cloned and sequenced. Of the fifty clones sequenced, only the wildtype transcript and a transcript lacking exon 8 (BRCA2, c.860_909del) were identified. No other alternative transcripts were found. The resulting BRCA2 c.860-909del introduces a frameshift that is predicted to create a stop at codon 220, and the authors therefore considered this variant to be pathogenic. The c.632-1G>A variant is predicted to cause abnormal splicing because the nucleotide substitution occurs in the invariant region of the splice consensus sequence and 4 of 4 in silico or computational prediction software programs (SpliceSiteFinder, MaxEntScan, NNSPLICE, GeneSplicer) predict a greater than 10% difference in splicing. In summary, based on the above information this variant meets our laboratoryâ€šÃ„Ã´s criteria to be classified as pathogenic.

Literature cited by the submitters: PubMed 31131967 (cited by 3 submitters); PubMed 29446198 (cited by 3 submitters); PubMed 29371908 (cited by Quest Diagnostics Nichols Institute San Juan Capistrano and Labcorp Genetics (formerly Invitae), Labcorp); PubMed 20736950 (cited by 3 submitters); PubMed 18819001 (cited by Quest Diagnostics Nichols Institute San Juan Capistrano and Labcorp Genetics (formerly Invitae), Labcorp); PubMed 33726785 (cited by Quest Diagnostics Nichols Institute San Juan Capistrano); PubMed 34456966 (cited by Quest Diagnostics Nichols Institute San Juan Capistrano); PubMed 34490083 (cited by Quest Diagnostics Nichols Institute San Juan Capistrano); PubMed 16211554 (cited by Quest Diagnostics Nichols Institute San Juan Capistrano); PubMed 19329713 (cited by Quest Diagnostics Nichols Institute San Juan Capistrano and Ambry Genetics); PubMed 18951446 (cited by Biomedical Genomics and Oncogenetics Laboratory, Institut Pasteur de Tunis, University Tunis El Manar).